The following is an entry in ClinVar:

NM_001009944.3(PKD1):c.9634T>G (p.Phe3212Val)

Gene: PKD1 (polycystin 1, transient receptor potential channel interacting; minus strand). Cytogenetic location: 16p13.3.
Variant type: single nucleotide variant.
Coding change: c.9634T>G on transcript NM_001009944.3 (MANE Select); coding-DNA position 9634, T replaced by G.
Protein change: p.Phe3212Val; replaces phenylalanine 3212 with valine.
Molecular consequence: missense variant.
Genome position (GRCh38, 1-based): chr16:2,100,244, A>C on the plus strand (T>G on the coding strand, the complement: PKD1 is on the minus strand). VCF-style: chr16-2100244-A-C. GRCh37 (hg19) VCF-style: chr16-2150245-A-C.
Other names: c.9634T>G, p.Phe3212Val (NM_000296.4); short protein forms F3212V.
Identifiers: ClinVar variation 4979315 (VCV004979315.1).

ClinVar aggregate classification (germline): Uncertain significance (1 of 4 stars; one submission).

Conditions:
PKD1-related disorder. Also called: PKD1-related condition.

gnomAD v4.1: 25 of 1,610,506 alleles (0.0016%); highest among the groups gnomAD compares: Admixed American, 0.0033%; no homozygotes.

Submission:

PreventionGenetics, part of Exact Sciences
Classification: Uncertain significance for PKD1-related condition. Last evaluated: 2025-09-17. Review status: criteria provided, single submitter. Criteria: ACMG Guidelines, 2015. Collection method: clinical testing. Allele origin: germline.
Comment: The PKD1 c.9634T>G variant is predicted to result in the amino acid substitution p.Phe3212Val. However, Patient K94 also has a pathogenic frameshift PKD1 variant that is likely the primary cause of PKD. The c.9634T>G (p.Phe3212Val) variant is reported in 0.0032% of alleles in individuals of European (Non-Finnish) descent in gnomAD. At this time, the clinical significance of this variant is uncertain due to the absence of conclusive functional and genetic evidence.